The following is an entry in ClinVar:

ClinVar aggregate classification (germline): Benign/Likely benign. Review status: criteria provided, multiple submitters, no conflicts (2 of 4 stars). 4 submissions from 4 submitters: Benign (1); Likely benign (3). Last evaluated 2025-03-19.

Conditions:
Hereditary cancer-predisposing syndrome. Also called: Tumor predisposition; Neoplastic Syndromes, Hereditary; Hereditary neoplastic syndrome; Hereditary Cancer Syndrome. Identifiers: Orphanet 140162, MedGen C0027672, MeSH D009386, MONDO:0015356.
BAP1-related tumor predisposition syndrome (TPDS1). Also called: Tumor susceptibility linked to germline BAP1 mutations; BAP1 tumor predisposition syndrome; COMMON Syndrome; TUMOR PREDISPOSITION SYNDROME 1. Identifiers: Orphanet 289539, MedGen C3280492, MONDO:0013692, OMIM 614327.

Allele frequency attached by ClinVar (database versions not stated): TOPMed below 0.00001.
gnomAD v4.1: 2 of 1,614,198 alleles (0.00012%); highest among the groups gnomAD compares: Non-Finnish European, 0.00017%; no homozygotes.

Submissions (4):

Labcorp Genetics (formerly Invitae), Labcorp
Classification: Likely benign for BAP1-related tumor predisposition syndrome. Last evaluated: 2025-03-19. Review status: criteria provided, single submitter. Criteria: Invitae Variant Classification Sherloc (09022015). Collection method: clinical testing. Allele origin: germline.

Myriad Genetics, Inc.
Classification: Benign for BAP1-related tumor predisposition syndrome. Last evaluated: 2024-07-17. Review status: criteria provided, single submitter. Criteria: Myriad Autosomal Dominant, Autosomal Recessive and X-Linked Classification Criteria (2023). Collection method: clinical testing. Allele origin: unknown.
Comment: This variant is considered benign. This variant is a silent/synonymous amino acid change and it is not expected to impact splicing.

Ambry Genetics
Classification: Likely benign for Hereditary cancer-predisposing syndrome. Last evaluated: 2023-12-17. Review status: criteria provided, single submitter. Criteria: Ambry Variant Classification Scheme 2023. Collection method: clinical testing. Allele origin: germline.

Color Diagnostics, LLC DBA Color Health
Classification: Likely benign for Hereditary cancer-predisposing syndrome. Last evaluated: 2018-02-16. Review status: criteria provided, single submitter. Criteria: ACMG Guidelines, 2015. Collection method: clinical testing. Allele origin: germline.

NM_004656.4(BAP1):c.1794A>C (p.Pro598=)

Gene: BAP1 (BRCA1 associated deubiquitinase 1; minus strand). Cytogenetic location: 3p21.1.
Variant type: single nucleotide variant.
Coding change: c.1794A>C on transcript NM_004656.4 (MANE Select); coding-DNA position 1794, A replaced by C.
Protein change: p.Pro598=; no amino-acid change (proline 598 retained).
Molecular consequence: synonymous variant.
Genome position (GRCh38, 1-based): chr3:52,403,234, T>G on the plus strand (A>C on the coding strand, the complement: BAP1 is on the minus strand). VCF-style: chr3-52403234-T-G. GRCh37 (hg19) VCF-style: chr3-52437250-T-G.
Other names: c.1794A>C (NM_004656.2).
Identifiers: ClinVar variation 631367 (VCV000631367.9), dbSNP rs1559585982, ClinGen allele CA433885955.